The following is an entry in ClinVar:

NM_020207.7(ERCC6L2):c.212A>C (p.Glu71Ala)

Gene: ERCC6L2 (ERCC excision repair 6 like 2; plus strand). Cytogenetic location: 9q22.32.
Variant type: single nucleotide variant.
Coding change: c.212A>C on transcript NM_020207.7 (MANE Select); coding-DNA position 212, A replaced by C.
Protein change: p.Glu71Ala; replaces glutamic acid 71 with alanine.
Molecular consequence: missense variant. On other transcripts: non-coding transcript variant (1).
Genome position (GRCh38, 1-based): chr9:95,881,034, A>C. VCF-style: chr9-95881034-A-C. GRCh37 (hg19) VCF-style: chr9-98643316-A-C.
Other names: c.212A>C, p.Glu71Ala (NM_001010895.4, NM_001375291.1, NM_001375292.1 and 2 more transcripts); short protein forms E71A.
Identifiers: ClinVar variation 4019343 (VCV004019343.1).

ClinVar aggregate classification (germline): Uncertain significance (1 of 4 stars; one submission).

Conditions:
Inborn genetic diseases. Identifiers: MedGen C0950123, MeSH D030342.

Submission:

Ambry Genetics
Classification: Uncertain significance for Inborn genetic diseases. Last evaluated: 2025-05-05. Review status: criteria provided, single submitter. Criteria: Ambry Variant Classification Scheme 2023. Collection method: clinical testing. Allele origin: germline.
Comment: The p.E71A variant (also known as c.212A>C), located in coding exon 2 of the ERCC6L2 gene, results from an A to C substitution at nucleotide position 212. The glutamic acid at codon 71 is replaced by alanine, an amino acid with dissimilar properties. This amino acid position is conserved. In addition, the in silico prediction for this alteration is inconclusive. Based on the available evidence, the clinical significance of this variant remains unclear.